The following is an entry in ClinVar:

NM_000264.5(PTCH1):c.1757C>T (p.Ala586Val)

Genes: PTCH1 (patched 1; minus strand), LOC100507346 (uncharacterized LOC100507346; plus strand). Cytogenetic location: 9q22.32.
Variant type: single nucleotide variant.
Coding change: c.1757C>T on transcript NM_000264.5 (MANE Select); coding-DNA position 1757, C replaced by T.
Protein change: p.Ala586Val; replaces alanine 586 with valine.
Molecular consequence: missense variant. On other transcripts: non-coding transcript variant (2).
Genome position (GRCh38, 1-based): chr9:95,469,903, G>A on the plus strand (C>T on the coding strand, the complement: PTCH1 is on the minus strand). VCF-style: chr9-95469903-G-A. GRCh37 (hg19) VCF-style: chr9-98232185-G-A.
Other names: c.1559C>T, p.Ala520Val (NM_001083602.3); c.1754C>T, p.Ala585Val (NM_001083603.3); c.1304C>T, p.Ala435Val (NM_001083604.3, NM_001083605.3, NM_001083606.3 and 1 more transcripts); c.1601C>T, p.Ala534Val (NM_001354918.2); short protein forms A534V, A585V, A435V, A586V, A520V.
Identifiers: ClinVar variation 3784687 (VCV003784687.1).

ClinVar aggregate classification (germline): Uncertain significance (1 of 4 stars; one submission).

Conditions:
Hereditary cancer-predisposing syndrome. Also called: Neoplastic Syndromes, Hereditary; Hereditary Cancer Syndrome; Tumor predisposition; Hereditary neoplastic syndrome. Identifiers: Orphanet 140162, MedGen C0027672, MeSH D009386, MONDO:0015356.

Submission:

Ambry Genetics
Classification: Uncertain significance for Hereditary cancer-predisposing syndrome. Last evaluated: 2025-03-11. Review status: criteria provided, single submitter. Criteria: Ambry Variant Classification Scheme 2023. Collection method: clinical testing. Allele origin: germline.
Comment: The p.A586V variant (also known as c.1757C>T), located in coding exon 13 of the PTCH1 gene, results from a C to T substitution at nucleotide position 1757. The alanine at codon 586 is replaced by valine, an amino acid with similar properties. This amino acid position is conserved. In addition, the in silico prediction for this alteration is inconclusive. Based on the available evidence, the clinical significance of this variant remains unclear.